The following is an entry in ClinVar:

NM_020207.7(ERCC6L2):c.1460C>T (p.Pro487Leu)

Gene: ERCC6L2 (ERCC excision repair 6 like 2; plus strand). Cytogenetic location: 9q22.32.
Variant type: single nucleotide variant.
Coding change: c.1460C>T on transcript NM_020207.7 (MANE Select); coding-DNA position 1460, C replaced by T.
Protein change: p.Pro487Leu; replaces proline 487 with leucine.
Molecular consequence: missense variant. On other transcripts: non-coding transcript variant (1).
Genome position (GRCh38, 1-based): chr9:95,923,306, C>T. VCF-style: chr9-95923306-C-T. GRCh37 (hg19) VCF-style: chr9-98685588-C-T.
Other names: c.1460C>T, p.Pro487Leu (NM_001010895.4, NM_001375291.1, NM_001375292.1 and 2 more transcripts); short protein forms P487L.
Identifiers: ClinVar variation 4019404 (VCV004019404.1).

ClinVar aggregate classification (germline): Uncertain significance (1 of 4 stars; one submission).

Conditions:
Inborn genetic diseases. Identifiers: MedGen C0950123, MeSH D030342.

gnomAD v4.1: 1 of 1,613,784 alleles (0.000062%); highest among the groups gnomAD compares: Non-Finnish European, 0.000085%; no homozygotes.

Submission:

Ambry Genetics
Classification: Uncertain significance for Inborn genetic diseases. Last evaluated: 2025-06-09. Review status: criteria provided, single submitter. Criteria: Ambry Variant Classification Scheme 2023. Collection method: clinical testing. Allele origin: germline.
Comment: The p.P487L variant (also known as c.1460C>T), located in coding exon 9 of the ERCC6L2 gene, results from a C to T substitution at nucleotide position 1460. The proline at codon 487 is replaced by leucine, an amino acid with similar properties. This amino acid position is conserved. In addition, the in silico prediction for this alteration is inconclusive. Based on the available evidence, the clinical significance of this variant remains unclear.